The following is an entry in ClinVar:

ClinVar aggregate classification (germline): Uncertain significance. Review status: criteria provided, multiple submitters, no conflicts (2 of 4 stars). 2 submissions from 2 submitters: Uncertain significance (2). Last evaluated 2025-08-02.

Conditions:
Inborn genetic diseases. Identifiers: MedGen C0950123, MeSH D030342.

Submissions (2):

Ambry Genetics
Classification: Uncertain significance for Inborn genetic diseases. Last evaluated: 2025-08-02. Review status: criteria provided, single submitter. Criteria: Ambry Variant Classification Scheme 2023. Collection method: clinical testing. Allele origin: germline.

Labcorp Genetics (formerly Invitae), Labcorp
Classification: Uncertain significance. Last evaluated: 2022-08-02. Review status: criteria provided, single submitter. Criteria: Invitae Variant Classification Sherloc (09022015). Collection method: clinical testing. Allele origin: germline.
Comment: This sequence change replaces proline, which is neutral and non-polar, with serine, which is neutral and polar, at codon 2006 of the EYS protein (p.Pro2006Ser). This variant is not present in population databases (gnomAD no frequency). This variant has not been reported in the literature in individuals affected with EYS-related conditions. Algorithms developed to predict the effect of missense changes on protein structure and function output the following: SIFT: "Tolerated"; PolyPhen-2: "Benign"; Align-GVGD: "Class C0". The serine amino acid residue is found in multiple mammalian species, which suggests that this missense change does not adversely affect protein function. In summary, the available evidence is currently insufficient to determine the role of this variant in disease. Therefore, it has been classified as a Variant of Uncertain Significance.

NM_001142800.2(EYS):c.6016C>T (p.Pro2006Ser)

Gene: EYS (EGF-like photoreceptor maintenance factor; minus strand). Cytogenetic location: 6q12.
Variant type: single nucleotide variant.
Coding change: c.6016C>T on transcript NM_001142800.2 (MANE Select); coding-DNA position 6016, C replaced by T.
Protein change: p.Pro2006Ser; replaces proline 2006 with serine.
Molecular consequence: missense variant.
Genome position (GRCh38, 1-based): chr6:64,388,752, G>A on the plus strand (C>T on the coding strand, the complement: EYS is on the minus strand). VCF-style: chr6-64388752-G-A. GRCh37 (hg19) VCF-style: chr6-65098645-G-A.
Other names: c.6016C>T, p.Pro2006Ser (NM_001292009.2); c.6016C>T (NM_001142800.1); short protein forms P2006S.
Identifiers: ClinVar variation 1944381 (VCV001944381.3), dbSNP rs1225805349, ClinGen allele CA364392065.